The following is an entry in ClinVar:

NM_001089.3(ABCA3):c.4116T>C (p.Ser1372=)

Gene: ABCA3 (ATP binding cassette subfamily A member 3; minus strand). Cytogenetic location: 16p13.3.
Variant type: single nucleotide variant.
Coding change: c.4116T>C on transcript NM_001089.3 (MANE Select); coding-DNA position 4116, T replaced by C.
Protein change: p.Ser1372=; no amino-acid change (serine 1372 retained).
Molecular consequence: synonymous variant.
Genome position (GRCh38, 1-based): chr16:2,281,429, A>G on the plus strand (T>C on the coding strand, the complement: ABCA3 is on the minus strand). VCF-style: chr16-2281429-A-G. GRCh37 (hg19) VCF-style: chr16-2331430-A-G.
Other names: p.Ser1372=.
Identifiers: ClinVar variation 162672 (VCV000162672.19), dbSNP rs149532, ClinGen allele CA175142.

ClinVar aggregate classification (germline): Benign. Review status: criteria provided, multiple submitters, no conflicts (2 of 4 stars). 7 submissions from 7 submitters: Benign (7). Last evaluated 2026-06-26.

Conditions:
Interstitial lung disease due to ABCA3 deficiency. Also called: PULMONARY ALVEOLAR PROTEINOSIS, CONGENITAL, 3. Identifiers: Orphanet 440402, MedGen C1970456, MONDO:0012582, OMIM 610921.

Allele frequency attached by ClinVar (database versions not stated): ESP Exome Variant Server 0.86942; TOPMed 0.87425; gnomAD 0.87571 and 0.88051; 1000 Genomes Project 30x 0.89600; 1000 Genomes Project 0.90096; ExAC 0.91921.
gnomAD v4.1: 1,473,674 of 1,613,668 alleles (91%); highest among the groups gnomAD compares: East Asian, 100%; 674,183 homozygotes.

Submissions (7):

Women's Health and Genetics/Laboratory Corporation of America, LabCorp
Classification: Benign. Last evaluated: 2026-06-26. Review status: criteria provided, single submitter. Criteria: LabCorp Variant Classification Summary - May 2015. Collection method: clinical testing. Allele origin: germline.

Labcorp Genetics (formerly Invitae), Labcorp
Classification: Benign. Last evaluated: 2026-02-04. Review status: criteria provided, single submitter. Criteria: Invitae Variant Classification Sherloc (09022015). Collection method: clinical testing. Allele origin: germline.

Mayo Clinic Laboratories, Mayo Clinic
Classification: Benign. Last evaluated: 2025-08-04. Review status: criteria provided, single submitter. Criteria: ACMG Guidelines, 2015. Collection method: clinical testing. Allele origin: germline. Observed: 16 variant alleles.
Comment: BA1, BP4, BP7

Blueprint Genetics
Classification: Benign. Last evaluated: 2024-11-27. Review status: criteria provided, single submitter. Criteria: ACMG Guidelines, 2015. Collection method: clinical testing. Allele origin: germline.

Genome-Nilou Lab
Classification: Benign for Interstitial lung disease due to ABCA3 deficiency. Last evaluated: 2021-07-14. Review status: criteria provided, single submitter. Criteria: ACMG Guidelines, 2015. Collection method: clinical testing. Allele origin: germline. Affected: no.

Laboratory for Molecular Medicine, Mass General Brigham Personalized Medicine
Classification: Benign. Last evaluated: 2013-02-21. Review status: criteria provided, single submitter. Criteria: LMM Criteria. Collection method: clinical testing. Allele origin: germline. Observed: 137 variant alleles.
Comment: Ser1372Ser in exon 27 of ABCA3: This variant is not expected to have clinical si gnificance because it does not alter an amino acid residue and is not located wi thin the splice consensus sequence. It has been identified in 22.0% (968/4396) o f African American chromosomes from a broad population by the NHLBI Exome Sequen cing Project (dbSNP rs149532).

Breakthrough Genomics
Classification: Benign. Review status: criteria provided, single submitter. Criteria: ACMG Guidelines, 2015. Collection method: not provided. Allele origin: germline. Inheritance: Autosomal recessive inheritance. Affected: yes.

Literature cited by the submitters: PubMed 24657120 (cited by Mayo Clinic Laboratories, Mayo Clinic); PubMed 33708521 (cited by Mayo Clinic Laboratories, Mayo Clinic).